The following is an entry in ClinVar:

NM_138694.4(PKHD1):c.1694-10C>G

Gene: PKHD1 (PKHD1 ciliary IPT domain containing fibrocystin/polyductin; minus strand). Cytogenetic location: 6p12.2.
Variant type: single nucleotide variant.
Coding change: c.1694-10C>G on transcript NM_138694.4 (MANE Select); 10 bases into the intron before coding-DNA position 1694, C replaced by G.
Molecular consequence: intron variant.
Genome position (GRCh38, 1-based): chr6:52,055,739, G>C on the plus strand (C>G on the coding strand, the complement: PKHD1 is on the minus strand). VCF-style: chr6-52055739-G-C. GRCh37 (hg19) VCF-style: chr6-51920537-G-C.
Other names: c.1694-10C>G (NM_170724.3).
Identifiers: ClinVar variation 798168 (VCV000798168.13), dbSNP rs745911880, ClinGen allele CA3853467.

ClinVar aggregate classification (germline): Conflicting classifications of pathogenicity. Review status: criteria provided, conflicting classifications (1 of 4 stars). 3 submissions from 3 submitters: Uncertain significance (1); Likely benign (1). 1 of the submissions does not count toward it. Last evaluated 2026-01-26.

Conditions:
Autosomal recessive polycystic kidney disease (ARPKD). Also called: AR polycystic kidney disease. Identifiers: Orphanet 731, Orphanet 8378, MedGen C0085548, MeSH D017044, MONDO:0009889.
Polycystic kidney disease 4 (PKD4). Also called: PKD3; POLYCYSTIC KIDNEY DISEASE 4 WITH OR WITHOUT POLYCYSTIC LIVER DISEASE; POLYCYSTIC KIDNEY AND HEPATIC DISEASE 1; POLYCYSTIC KIDNEY DISEASE, INFANTILE, TYPE I; Autosomal Recessive Polycystic Kidney Disease – PKHD1. Identifiers: MedGen C4540575, MONDO:0033004, OMIM 263200.

Allele frequency attached by ClinVar (database versions not stated): gnomAD 0.00001; ExAC 0.00007; gnomAD exomes 0.00007 and 0.00010.
gnomAD v4.1: 107 of 1,613,486 alleles (0.0066%); highest among the groups gnomAD compares: South Asian, 0.12%; 2 homozygotes.

Submissions (3):

Labcorp Genetics (formerly Invitae), Labcorp
Classification: Likely benign for Autosomal recessive polycystic kidney disease. Last evaluated: 2026-01-26. Review status: criteria provided, single submitter. Criteria: Invitae Variant Classification Sherloc (09022015). Collection method: clinical testing. Allele origin: germline.

Myriad Genetics, Inc.
Classification: Uncertain significance for Polycystic kidney disease 4. Last evaluated: 2025-08-06. Review status: criteria provided, single submitter. Criteria: Myriad Autosomal Dominant, Autosomal Recessive and X-Linked Classification Criteria (2023). Collection method: clinical testing. Allele origin: unknown.
Comment: NM_138694.3(PKHD1):c.1694-10C>G is an intronic variant classified as a variant of uncertain significance in the context of autosomal recessive polycystic kidney disease, PKHD1-related. c.1694-10C>G has not been observed in cases with relevant disease. Relevant functional assessments of this variant are available in the literature (PMID: 39521997). c.1694-10C>G has been observed in referenced population frequency databases. In summary, there is insufficient evidence to classify NM_138694.3(PKHD1):c.1694-10C>G as pathogenic or benign. Please note: this variant was assessed in the context of healthy population screening.

Natera, Inc.
Classification: Uncertain significance for Autosomal recessive polycystic kidney disease. Last evaluated: 2018-09-30. Review status: no assertion criteria provided. Collection method: clinical testing. Allele origin: germline. Not counted in ClinVar's aggregate classification.

Literature cited by the submitters: PubMed 39521997 (cited by Myriad Genetics, Inc.).